The following is an entry in ClinVar:

NM_001267550.2(TTN):c.76342_76345dup (p.Val25449fs)

Genes: TTN (titin; minus strand), TTN-AS1 (TTN antisense RNA 1; plus strand). Cytogenetic location: 2q31.2.
Variant type: Duplication.
Coding change: c.76342_76345dup on transcript NM_001267550.2 (MANE Select); coding-DNA positions 76342 to 76345, 4 bases duplicated (AGTG; older notation c.76342_76345dupAGTG).
Protein change: p.Val25449fs; shifts the reading frame from valine 25449.
Molecular consequence: frameshift variant.
Genome position (GRCh38, 1-based): chr2:178,569,787-178,569,790, CACT duplicated on the plus strand (AGTG on the coding strand, the reverse complement: TTN is on the minus strand); duplicating any 4 consecutive bases within chr2:178,569,787-178,569,793 gives the same sequence; the c. name uses the placement nearest the transcript's 3' end. VCF-style (leftmost placement, unchanged base first): chr2-178569786-A-ACACT. GRCh37 (hg19) VCF-style: chr2-179434513-A-ACACT.
Other names: c.49147_49150dupAGTG (NM_003319.4); c.71419_71422dup, p.Val23808fs (NM_001256850.1); c.49147_49150dup, p.Val16384fs (NM_003319.4); c.68638_68641dup, p.Val22881fs (NM_133378.4); c.49522_49525dup, p.Val16509fs (NM_133432.3); c.49723_49726dup, p.Val16576fs (NM_133437.4); short protein forms V16384fs, V22881fs, V16509fs, V23808fs, V25449fs, V16576fs.
Identifiers: ClinVar variation 1465573 (VCV001465573.10), dbSNP rs2154168044, ClinGen allele CA2573133042.
Genomic context (GRCh38, chr2:178,569,786, plus strand): 5'-TCTACTTCTATGTTTGTTTTATTAATTCCTGTTGGTGGAGTGCACATTGTCCATTCACCA[A>ACACT]CACTCACATCACATTTTTCAACAATGTATCCTTGAATTTCACAGCCACCATCATATATTG-3'

ClinVar aggregate classification (germline): Likely pathogenic. Review status: criteria provided, multiple submitters, no conflicts (2 of 4 stars). 2 submissions from 2 submitters: Likely pathogenic (2). Last evaluated 2023-09-15.

Conditions:
Cardiovascular phenotype. Identifiers: MedGen CN230736.
Dilated cardiomyopathy 1G (CMD1G). Identifiers: Orphanet 154, MedGen C1858763, MONDO:0011400, OMIM 604145.
Autosomal recessive limb-girdle muscular dystrophy type 2J (LGMDR10). Also called: Limb-girdle muscular dystrophy, type 2J; MUSCULAR DYSTROPHY, LIMB-GIRDLE, AUTOSOMAL RECESSIVE 10. Identifiers: Orphanet 140922, MedGen C1837342, MONDO:0012127, OMIM 608807.

Submissions (2):

Ambry Genetics
Classification: Likely pathogenic for Cardiovascular phenotype. Last evaluated: 2023-09-15. Review status: criteria provided, single submitter. Criteria: Ambry Variant Classification Scheme 2023. Collection method: clinical testing. Allele origin: germline.
Comment: The c.49147_49150dupAGTG variant, located in coding exon 153 of the TTN gene, results from a duplication of AGTG at nucleotide position 49147, causing a translational frameshift with a predicted alternate stop codon (p.V16384Efs*4). This exon is located in the A-band region of the N2-B isoform of the titin protein and is constitutively expressed in TTN transcripts (percent spliced in or PSI 100%). This variant is considered to be rare based on population cohorts in the Genome Aggregation Database (gnomAD). This alteration is expected to result in loss of function by premature protein truncation or nonsense-mediated mRNA decay. While truncating variants in TTN are present in 1-3% of the general population, truncating variants in the A-band are the most common cause of dilated cardiomyopathy (DCM) (Herman DS et al. N. Engl. J. Med., 2012 Feb;366:619-28; Roberts AM et al. Sci Transl Med, 2015 Jan;7:270ra6). TTN truncating variants encoded in constitutive exons (PSI >90%) have been found to be significantly associated with DCM regardless of their position in titin (Schafer S et al. Nat. Genet., 2017 01;49:46-53). As such, this alteration is classified as likely pathogenic.

Labcorp Genetics (formerly Invitae), Labcorp
Classification: Likely pathogenic for Dilated cardiomyopathy 1G; Autosomal recessive limb-girdle muscular dystrophy type 2J. Last evaluated: 2022-10-17. Review status: criteria provided, single submitter. Criteria: Invitae Variant Classification Sherloc (09022015). Collection method: clinical testing. Allele origin: germline.
Comment: This variant has not been reported in the literature in individuals affected with TTN-related conditions. ClinVar contains an entry for this variant (Variation ID: 1465573). This variant is located in the A band of TTN (PMID: 25589632). Truncating variants in this region are significantly overrepresented in patients affected with dilated cardiomyopathy (PMID: 25589632). Truncating variants in this region have also been reported in individuals affected with autosomal recessive centronuclear myopathy (PMID: 23975875). In summary, the currently available evidence indicates that the variant is pathogenic, but additional data are needed to prove that conclusively. Therefore, this variant has been classified as Likely Pathogenic. This variant is not present in population databases (gnomAD no frequency). This sequence change creates a premature translational stop signal (p.Val25449Glufs*4) in the TTN gene. While this is not anticipated to result in nonsense mediated decay, it is expected to create a truncated TTN protein.

Literature cited by the submitters: PubMed 25589632 (cited by Labcorp Genetics (formerly Invitae), Labcorp); PubMed 23975875 (cited by Labcorp Genetics (formerly Invitae), Labcorp).